The following is an entry in ClinVar:

NM_000090.4(COL3A1):c.582+6dup

Gene: COL3A1 (collagen type III alpha 1 chain; plus strand). Cytogenetic location: 2q32.2.
Variant type: Duplication.
Coding change: c.582+6dup on transcript NM_000090.4 (MANE Select); 6 bases into the intron after coding-DNA position 582, one base duplicated (T; older notation c.582+6dupT).
Molecular consequence: intron variant.
Genome position (GRCh38, 1-based): chr2:188,988,140, T duplicated. VCF-style (leftmost placement, unchanged base first): chr2-188988139-G-GT. GRCh37 (hg19) VCF-style: chr2-189852865-G-GT.
Identifiers: ClinVar variation 2908967 (VCV002908967.4), dbSNP rs2469113482, ClinGen allele CA2662286353.

ClinVar aggregate classification (germline): Uncertain significance. Review status: criteria provided, multiple submitters, no conflicts (2 of 4 stars). 2 submissions from 2 submitters: Uncertain significance (2). Last evaluated 2024-01-06.

Conditions:
Ehlers-Danlos syndrome, type 4 (EDSVASC). Also called: Ehlers-Danlos syndrome vascular type; Ehlers Danlos syndrome, ecchymotic type; Ehlers Danlos syndrome, arterial type; Ehlers Danlos syndrome, Sack-Barabas type; Ehlers-Danlos Syndrome Type IV. Identifiers: Orphanet 286, MedGen C0268338, MONDO:0017314, OMIM 130050.

Allele frequency attached by ClinVar (database versions not stated): gnomAD exomes below 0.00001.

Submissions (2):

Labcorp Genetics (formerly Invitae), Labcorp
Classification: Uncertain significance for Ehlers-Danlos syndrome, type 4. Last evaluated: 2024-01-06. Review status: criteria provided, single submitter. Criteria: Invitae Variant Classification Sherloc (09022015). Collection method: clinical testing. Allele origin: germline.
Comment: This sequence change falls in intron 6 of the COL3A1 gene. It does not directly change the encoded amino acid sequence of the COL3A1 protein. This variant is not present in population databases (gnomAD no frequency). This variant has not been reported in the literature in individuals affected with COL3A1-related conditions. Algorithms developed to predict the effect of sequence changes on RNA splicing suggest that this variant may disrupt the consensus splice site. In summary, the available evidence is currently insufficient to determine the role of this variant in disease. Therefore, it has been classified as a Variant of Uncertain Significance.

All of Us Research Program, National Institutes of Health
Classification: Uncertain significance for Ehlers-Danlos syndrome, type 4. Last evaluated: 2023-05-04. Review status: criteria provided, single submitter. Criteria: ACMG Guidelines, 2015. Collection method: clinical testing. Allele origin: germline. Inheritance: Autosomal dominant inheritance. Observed: 2 variant alleles, 2 heterozygotes.
Comment: This variant causes duplication of a nucleotide in intron 6 of the COL3A1 gene. To our knowledge, functional studies have not been reported for this variant. This variant has not been reported in individuals affected with COL3A1-related disorders in the literature. This variant has not been identified in the general population by the Genome Aggregation Database (gnomAD). The available evidence is insufficient to determine the role of this variant in disease conclusively. Therefore, this variant is classified as a Variant of Uncertain Significance.

This study involves interpretation of variants in research participants for the purpose of population health screening. Participant phenotype was not available at the time of variant classification. Additional details can be found in publication PMID: 35346344, PMCID: PMC8962531